The following is an entry in ClinVar:

NM_012186.3(FOXE3):c.186_187insGGG (p.Arg62_Arg63insGly)

Genes: LINC01389 (long independently transcribed non-coding RNA 1389; minus strand), FOXE3 (forkhead box E3; plus strand). Cytogenetic location: 1p33.
Variant type: Insertion.
Coding change: c.186_187insGGG on transcript NM_012186.3 (MANE Select); coding-DNA positions 186 to 187, GGG inserted.
Protein change: p.Arg62_Arg63insGly.
Genome position: GRCh38 VCF-style: chr1-47416499-C-CGGG. GRCh37 (hg19) VCF-style: chr1-47882171-C-CGGG.
Identifiers: ClinVar variation 4788011 (VCV004788011.1).

ClinVar aggregate classification (germline): Uncertain significance (1 of 4 stars; one submission).

Conditions:
Anterior segment dysgenesis. Also called: Ocular anterior segment dysgenesis. Identifiers: Orphanet 88632, MedGen C1862839, MONDO:0019503, HP:0007700.
Congenital primary aphakia. Also called: Anterior segment dysgenesis 2, multiple subtypes; ANTERIOR SEGMENT DYSGENESIS 2. Identifiers: Orphanet 83461, MedGen C1853230, MONDO:0012456, OMIM 610256.

Submission:

Labcorp Genetics (formerly Invitae), Labcorp
Classification: Uncertain significance for Anterior segment dysgenesis; Congenital primary aphakia. Last evaluated: 2025-03-03. Review status: criteria provided, single submitter. Criteria: Invitae Variant Classification Sherloc (09022015). Collection method: clinical testing. Allele origin: germline.
Comment: This variant, c.186_187insGGG, results in the insertion of 1 amino acid(s) of the FOXE3 protein (p.Arg62_Arg63insGly), but otherwise preserves the integrity of the reading frame. This variant is present in population databases (no rsID available, gnomAD 0.007%). This variant has not been reported in the literature in individuals affected with FOXE3-related conditions. In summary, the available evidence is currently insufficient to determine the role of this variant in disease. Therefore, it has been classified as a Variant of Uncertain Significance.